The following is an entry in ClinVar:

NM_001105247.2(ARMC5):c.2790G>A (p.Gly930=)

Gene: ARMC5 (armadillo repeat containing 5; plus strand). Cytogenetic location: 16p11.2.
Variant type: single nucleotide variant.
Coding change: c.2790G>A on transcript NM_001105247.2 (MANE Select); coding-DNA position 2790, G replaced by A.
Protein change: p.Gly930=; no amino-acid change (glycine 930 retained).
Molecular consequence: synonymous variant. On other transcripts: 3 prime UTR variant (1).
Genome position (GRCh38, 1-based): chr16:31,466,871, G>A. VCF-style: chr16-31466871-G-A. GRCh37 (hg19) VCF-style: chr16-31478192-G-A.
Other names: c.3075G>A, p.Gly1025= (NM_001288767.2); c.2886G>A, p.Gly962= (NM_001301820.1); c.*1670G>A (NM_024742.2); c.3075G>A (NM_001288767.1).
Identifiers: ClinVar variation 714559 (VCV000714559.7), dbSNP rs61734240, ClinGen allele CA8030081.

ClinVar aggregate classification (germline): Benign/Likely benign. Review status: criteria provided, multiple submitters, no conflicts (2 of 4 stars). 4 submissions from 4 submitters: Benign (1); Likely benign (3). Last evaluated 2026-08-01.

Conditions:
ARMC5-related disorder. Also called: ARMC5-related condition.

Allele frequency attached by ClinVar (database versions not stated): 1000 Genomes Project 0.00060; 1000 Genomes Project 30x 0.00062; gnomAD exomes 0.00103 and 0.00168; TOPMed 0.00119; gnomAD 0.00123; ExAC 0.00156; ESP Exome Variant Server 0.00170.
gnomAD v4.1: 2,555 of 1,571,506 alleles (0.16%); highest among the groups gnomAD compares: Middle Eastern, 0.24%; 4 homozygotes.

Submissions (4):

CeGaT Center for Human Genetics Tuebingen
Classification: Likely benign. Last evaluated: 2026-08-01. Review status: criteria provided, single submitter. Criteria: CeGaT Center For Human Genetics Tuebingen Variant Classification Criteria Version 2. Collection method: clinical testing. Allele origin: germline. Affected: yes. Observed: 2 variant alleles.
Comment: ARMC5: BP4, BP7

PreventionGenetics, part of Exact Sciences
Classification: Likely benign for ARMC5-related condition. Last evaluated: 2026-07-28. Review status: criteria provided, single submitter. Criteria: ACMG Guidelines, 2015. Collection method: clinical testing. Allele origin: germline.
Comment: This variant is classified as likely benign based on ACMG/AMP sequence variant interpretation guidelines (Richards et al. 2015 PMID: 25741868, with internal and published modifications).

Blueprint Genetics
Classification: Likely benign. Last evaluated: 2024-11-20. Review status: criteria provided, single submitter. Criteria: ACMG Guidelines, 2015. Collection method: clinical testing. Allele origin: germline.

Labcorp Genetics (formerly Invitae), Labcorp
Classification: Benign. Last evaluated: 2019-12-31. Review status: criteria provided, single submitter. Criteria: Invitae Variant Classification Sherloc (09022015). Collection method: clinical testing. Allele origin: germline.